The following is an entry in ClinVar:

ClinVar aggregate classification (germline): Pathogenic (1 of 4 stars; one submission).

Conditions:
Smith-Lemli-Opitz syndrome (SLOS). Also called: POLYDACTYLY, SEX REVERSAL, RENAL HYPOPLASIA, AND UNILOBAR LUNG; RSH SYNDROME; RUTLEDGE LETHAL MULTIPLE CONGENITAL ANOMALY SYNDROME; LETHAL ACRODYSGENITAL SYNDROME; 7-Dehydrocholesterol reductase deficiency. Identifiers: Orphanet 818, MedGen C0175694, MONDO:0010035, OMIM 270400.

Submission:

Labcorp Genetics (formerly Invitae), Labcorp
Classification: Pathogenic for Smith-Lemli-Opitz syndrome. Last evaluated: 2021-03-16. Review status: criteria provided, single submitter. Criteria: Invitae Variant Classification Sherloc (09022015). Collection method: clinical testing. Allele origin: germline.
Comment: For these reasons, this variant has been classified as Pathogenic. This variant disrupts the C-terminus of the DHCR7 protein. Other variant(s) that disrupt this region (p.Val353Trpfs*60) have been determined to be pathogenic (PMID: 11111101, Invitae). This suggests that variants that disrupt this region of the protein are likely to be causative of disease. This variant has not been reported in the literature in individuals with DHCR7-related conditions. This variant is a gross deletion of the genomic region encompassing exon 9 of the DHCR7 gene. The 5' boundary is likely confined to intron 8. The 3' end of this event is unknown as it extends through the termination codon beyond the assayed region for this gene and may encompass additional genes. While this deletion is not anticipated to result in nonsense mediated decay, it is expected to create a truncated protein product or disrupt mRNA translation.

Literature cited by the submitters: PubMed 11111101.

NC_000011.9:g.(?_71146411)_(71146895_?)del

Gene: DHCR7 (7-dehydrocholesterol reductase; minus strand). Cytogenetic location: 11q13.4.
Variant type: Deletion.
Identifiers: ClinVar variation 1073442 (VCV001073442.7).